The following is an entry in ClinVar:

NM_001999.4(FBN2):c.2321T>C (p.Leu774Ser)

Gene: FBN2 (fibrillin 2; minus strand). Cytogenetic location: 5q23.3.
Variant type: single nucleotide variant.
Coding change: c.2321T>C on transcript NM_001999.4 (MANE Select); coding-DNA position 2321, T replaced by C.
Protein change: p.Leu774Ser; replaces leucine 774 with serine.
Molecular consequence: missense variant.
Genome position (GRCh38, 1-based): chr5:128,364,707, A>G on the plus strand (T>C on the coding strand, the complement: FBN2 is on the minus strand). VCF-style: chr5-128364707-A-G. GRCh37 (hg19) VCF-style: chr5-127700400-A-G.
Other names: short protein forms L774S.
Identifiers: ClinVar variation 4282273 (VCV004282273.2).

ClinVar aggregate classification (germline): Uncertain significance (1 of 4 stars; one submission).

Submission:

GeneDx
Classification: Uncertain significance. Last evaluated: 2025-11-07. Review status: criteria provided, single submitter. Criteria: GeneDx Variant Classification Process June 2021. Collection method: clinical testing. Allele origin: germline.
Comment: Not observed at significant frequency in large population cohorts (gnomAD); In silico analysis supports that this missense variant has a deleterious effect on protein structure/function; Although located in a calcium-binding EGF-like domain of the FBN2 gene, it does not substitute or introduce a cysteine residue (PMID: 19006240, 18767143); Has not been previously published as pathogenic or benign to our knowledge; This variant is associated with the following publications: (PMID: 19006240, 18767143)